The following is an entry in ClinVar:

ClinVar aggregate classification (germline): Uncertain significance (1 of 4 stars; one submission).

Submission:

Labcorp Genetics (formerly Invitae), Labcorp
Classification: Uncertain significance. Last evaluated: 2025-05-26. Review status: criteria provided, single submitter. Criteria: Invitae Variant Classification Sherloc (09022015). Collection method: clinical testing. Allele origin: germline.
Comment: This sequence change replaces threonine, which is neutral and polar, with isoleucine, which is neutral and non-polar, at codon 8 of the AK1 protein (p.Thr8Ile). This variant is not present in population databases (gnomAD no frequency). This variant has not been reported in the literature in individuals affected with AK1-related conditions. An algorithm developed to predict the effect of missense changes on protein structure and function (PolyPhen-2) suggests that this variant is likely to be tolerated. In summary, the available evidence is currently insufficient to determine the role of this variant in disease. Therefore, it has been classified as a Variant of Uncertain Significance.

NM_000476.3(AK1):c.23C>T (p.Thr8Ile)

Genes: AK1 (adenylate kinase 1; minus strand), ST6GALNAC4-ST6GALNAC6-AK1 (ST6GALNAC4-ST6GALNAC6-AK1 readthrough; minus strand). Cytogenetic location: 9q34.11.
Variant type: single nucleotide variant.
Coding change: c.23C>T on transcript NM_000476.3 (MANE Select); coding-DNA position 23, C replaced by T.
Protein change: p.Thr8Ile; replaces threonine 8 with isoleucine.
Molecular consequence: missense variant. On other transcripts: non-coding transcript variant (8).
Genome position (GRCh38, 1-based): chr9:127,873,046, G>A on the plus strand (C>T on the coding strand, the complement: AK1 is on the minus strand). VCF-style: chr9-127873046-G-A. GRCh37 (hg19) VCF-style: chr9-130635325-G-A.
Other names: c.23C>T, p.Thr8Ile (NM_001318121.1); c.71C>T, p.Thr24Ile (NM_001318122.2); short protein forms T8I, T24I.
Identifiers: ClinVar variation 4776392 (VCV004776392.1).